The following is an entry in ClinVar:

ClinVar aggregate classification (germline): Uncertain significance (1 of 4 stars; one submission).

Allele frequency attached by ClinVar (database versions not stated): gnomAD exomes below 0.00001.
gnomAD v4.1: 1 of 1,614,108 alleles (0.000062%); highest among the groups gnomAD compares: East Asian, 0.0022%; no homozygotes.

Submission:

Labcorp Genetics (formerly Invitae), Labcorp
Classification: Uncertain significance. Last evaluated: 2024-10-07. Review status: criteria provided, single submitter. Criteria: Invitae Variant Classification Sherloc (09022015). Collection method: clinical testing. Allele origin: germline.
Comment: This sequence change replaces threonine, which is neutral and polar, with alanine, which is neutral and non-polar, at codon 375 of the TTC19 protein (p.Thr375Ala). This variant is not present in population databases (gnomAD no frequency). This variant has not been reported in the literature in individuals affected with TTC19-related conditions. ClinVar contains an entry for this variant (Variation ID: 1955550). An algorithm developed to predict the effect of missense changes on protein structure and function (PolyPhen-2) suggests that this variant is likely to be tolerated. In summary, the available evidence is currently insufficient to determine the role of this variant in disease. Therefore, it has been classified as a Variant of Uncertain Significance.

NM_017775.4(TTC19):c.1123A>G (p.Thr375Ala)

Gene: TTC19 (tetratricopeptide repeat domain 19; plus strand). Cytogenetic location: 17p12.
Variant type: single nucleotide variant.
Coding change: c.1123A>G on transcript NM_017775.4 (MANE Select); coding-DNA position 1123, A replaced by G.
Protein change: p.Thr375Ala; replaces threonine 375 with alanine.
Molecular consequence: missense variant.
Genome position (GRCh38, 1-based): chr17:16,027,502, A>G. VCF-style: chr17-16027502-A-G. GRCh37 (hg19) VCF-style: chr17-15930816-A-G.
Other names: c.802A>G, p.Thr268Ala (NM_001271420.2); short protein forms T268A, T375A.
Identifiers: ClinVar variation 1955550 (VCV001955550.5), dbSNP rs971440438, ClinGen allele CA288164742.